The following is an entry in ClinVar:

NM_005751.5(AKAP9):c.9022G>C (p.Glu3008Gln)

Gene: AKAP9 (A-kinase anchoring protein 9; plus strand). Cytogenetic location: 7q21.2.
Variant type: single nucleotide variant.
Coding change: c.9022G>C on transcript NM_005751.5 (MANE Select); coding-DNA position 9022, G replaced by C.
Protein change: p.Glu3008Gln; replaces glutamic acid 3008 with glutamine.
Molecular consequence: missense variant.
Genome position (GRCh38, 1-based): chr7:92,085,684, G>C. VCF-style: chr7-92085684-G-C. GRCh37 (hg19) VCF-style: chr7-91714998-G-C.
Other names: c.3667G>C, p.Glu1223Gln (NM_001379277.1); c.8998G>C, p.Glu3000Gln (NM_147185.3); short protein forms E3008Q, E1223Q, E3000Q.
Identifiers: ClinVar variation 958291 (VCV000958291.10), dbSNP rs190695638, ClinGen allele CA368143231.

ClinVar aggregate classification (germline): Uncertain significance. Review status: criteria provided, multiple submitters, no conflicts (2 of 4 stars). 2 submissions from 2 submitters: Uncertain significance (2). Last evaluated 2025-08-02.

Conditions:
Cardiovascular phenotype. Identifiers: MedGen CN230736.
Long QT syndrome (LQTS). Identifiers: MedGen C0023976, MeSH D008133, MONDO:0002442. Disease mechanism: loss of function. Inheritance: Various modes of inheritance.

gnomAD v4.1: 2 of 1,609,158 alleles (0.00012%); highest among the groups gnomAD compares: Admixed American, 0.0033%; no homozygotes.

Submissions (2):

Ambry Genetics
Classification: Uncertain significance for Cardiovascular phenotype. Last evaluated: 2025-08-02. Review status: criteria provided, single submitter. Criteria: Ambry Variant Classification Scheme 2023. Collection method: clinical testing. Allele origin: germline.

Labcorp Genetics (formerly Invitae), Labcorp
Classification: Uncertain significance for Long QT syndrome. Last evaluated: 2022-03-19. Review status: criteria provided, single submitter. Criteria: Invitae Variant Classification Sherloc (09022015). Collection method: clinical testing. Allele origin: germline.
Comment: In summary, the available evidence is currently insufficient to determine the role of this variant in disease. Therefore, it has been classified as a Variant of Uncertain Significance. Algorithms developed to predict the effect of missense changes on protein structure and function are either unavailable or do not agree on the potential impact of this missense change (SIFT: "Tolerated"; PolyPhen-2: "Possibly Damaging"; Align-GVGD: "Class C0"). ClinVar contains an entry for this variant (Variation ID: 958291). This variant has not been reported in the literature in individuals affected with AKAP9-related conditions. This variant is present in population databases (no rsID available, gnomAD 0.003%). This sequence change replaces glutamic acid, which is acidic and polar, with glutamine, which is neutral and polar, at codon 3008 of the AKAP9 protein (p.Glu3008Gln).